The following is an entry in ClinVar:

NM_018975.4(TERF2IP):c.371A>T (p.Glu124Val)

Gene: TERF2IP (TERF2 interacting protein; plus strand). Cytogenetic location: 16q23.1.
Variant type: single nucleotide variant.
Coding change: c.371A>T on transcript NM_018975.4 (MANE Select); coding-DNA position 371, A replaced by T.
Protein change: p.Glu124Val; replaces glutamic acid 124 with valine.
Molecular consequence: missense variant. On other transcripts: non-coding transcript variant (1).
Genome position (GRCh38, 1-based): chr16:75,648,253, A>T. VCF-style: chr16-75648253-A-T. GRCh37 (hg19) VCF-style: chr16-75682151-A-T.
Other names: short protein forms E124V.
Identifiers: ClinVar variation 3325464 (VCV003325464.1).

ClinVar aggregate classification (germline): Uncertain significance (1 of 4 stars; one submission).

Submission:

Ambry Genetics
Classification: Uncertain significance. Last evaluated: 2024-05-24. Review status: criteria provided, single submitter. Criteria: Ambry Variant Classification Scheme 2023. Collection method: clinical testing. Allele origin: germline.
Comment: The p.E124V variant (also known as c.371A>T), located in coding exon 1 of the TERF2IP gene, results from an A to T substitution at nucleotide position 371. The glutamic acid at codon 124 is replaced by valine, an amino acid with dissimilar properties. This amino acid position is conserved. In addition, this alteration is predicted to be tolerated by in silico analysis. Based on the available evidence, the clinical significance of this variant remains unclear.